The following is an entry in ClinVar:

NM_000083.3(CLCN1):c.805G>A (p.Val269Met)

Gene: CLCN1 (chloride voltage-gated channel 1; plus strand). Cytogenetic location: 7q34.
Variant type: single nucleotide variant.
Coding change: c.805G>A on transcript NM_000083.3 (MANE Select); coding-DNA position 805, G replaced by A.
Protein change: p.Val269Met; replaces valine 269 with methionine.
Molecular consequence: missense variant. On other transcripts: non-coding transcript variant (1).
Genome position (GRCh38, 1-based): chr7:143,324,444, G>A. VCF-style: chr7-143324444-G-A. GRCh37 (hg19) VCF-style: chr7-143021537-G-A.
Other names: short protein forms V269M.
Identifiers: ClinVar variation 4789703 (VCV004789703.1).

ClinVar aggregate classification (germline): Uncertain significance (1 of 4 stars; one submission).

Conditions:
Congenital myotonia, autosomal dominant form (THD). Also called: THOMSEN DISEASE; Myotonia congenita autosomal dominant. Identifiers: Orphanet 614, MedGen C2936781, MONDO:0008055, OMIM 160800.
Congenital myotonia, autosomal recessive form. Also called: BECKER DISEASE; Becker Generalized Myotonia; myotonia congenita, autosomal recessive. Identifiers: Orphanet 614, MedGen C0751360, MONDO:0009715, OMIM 255700.

Submission:

Labcorp Genetics (formerly Invitae), Labcorp
Classification: Uncertain significance for Congenital myotonia, autosomal recessive form; Congenital myotonia, autosomal dominant form. Last evaluated: 2025-04-11. Review status: criteria provided, single submitter. Criteria: Invitae Variant Classification Sherloc (09022015). Collection method: clinical testing. Allele origin: germline.
Comment: This sequence change replaces valine, which is neutral and non-polar, with methionine, which is neutral and non-polar, at codon 269 of the CLCN1 protein (p.Val269Met). This variant is not present in population databases (gnomAD no frequency). This variant has not been reported in the literature in individuals affected with CLCN1-related conditions. Invitae Evidence Modeling of protein sequence and biophysical properties (such as structural, functional, and spatial information, amino acid conservation, physicochemical variation, residue mobility, and thermodynamic stability) indicates that this missense variant is expected to disrupt CLCN1 protein function with a positive predictive value of 95%. In summary, the available evidence is currently insufficient to determine the role of this variant in disease. Therefore, it has been classified as a Variant of Uncertain Significance.